The following is an entry in ClinVar:

ClinVar aggregate classification (germline): Uncertain significance (1 of 4 stars; one submission).

gnomAD v4.1: 1 of 1,612,438 alleles (0.000062%); highest among the groups gnomAD compares: Non-Finnish European, 0.000085%; no homozygotes.

Submission:

Labcorp Genetics (formerly Invitae), Labcorp
Classification: Uncertain significance. Last evaluated: 2025-04-23. Review status: criteria provided, single submitter. Criteria: Invitae Variant Classification Sherloc (09022015). Collection method: clinical testing. Allele origin: germline.
Comment: This sequence change replaces tyrosine, which is neutral and polar, with phenylalanine, which is neutral and non-polar, at codon 497 of the CLCN7 protein (p.Tyr497Phe). This variant is not present in population databases (gnomAD no frequency). This variant has not been reported in the literature in individuals affected with CLCN7-related conditions. ClinVar contains an entry for this variant (Variation ID: 1470491). An algorithm developed to predict the effect of missense changes on protein structure and function (PolyPhen-2) suggests that this variant is likely to be disruptive. In summary, the available evidence is currently insufficient to determine the role of this variant in disease. Therefore, it has been classified as a Variant of Uncertain Significance.

NM_001287.6(CLCN7):c.1490A>T (p.Tyr497Phe)

Gene: CLCN7 (chloride voltage-gated channel 7; minus strand). Cytogenetic location: 16p13.3.
Variant type: single nucleotide variant.
Coding change: c.1490A>T on transcript NM_001287.6 (MANE Select); coding-DNA position 1490, A replaced by T.
Protein change: p.Tyr497Phe; replaces tyrosine 497 with phenylalanine.
Molecular consequence: missense variant.
Genome position (GRCh38, 1-based): chr16:1,450,624, T>A on the plus strand (A>T on the coding strand, the complement: CLCN7 is on the minus strand). VCF-style: chr16-1450624-T-A. GRCh37 (hg19) VCF-style: chr16-1500625-T-A.
Other names: c.1418A>T, p.Tyr473Phe (NM_001114331.3); short protein forms Y497F, Y473F.
Identifiers: ClinVar variation 1470491 (VCV001470491.8), dbSNP rs1161547013, ClinGen allele CA394187722.